The following is an entry in ClinVar:

ClinVar aggregate classification (germline): Uncertain significance (1 of 4 stars; one submission).

Submission:

GeneDx
Classification: Uncertain significance. Last evaluated: 2025-01-05. Review status: criteria provided, single submitter. Criteria: GeneDx Variant Classification Process June 2021. Collection method: clinical testing. Allele origin: germline. Affected: yes.
Comment: Not observed at significant frequency in large population cohorts (gnomAD); In-frame deletion of 2 amino acid(s) and insertion of 1 different amino acid(s) in a non-repeat region; In silico analysis indicates that this variant does not alter protein structure/function; Has not been previously published as pathogenic or benign to our knowledge

NM_001003800.2(BICD2):c.1452_1454del (p.Lys484_Val485delinsAsn)

Gene: BICD2 (BICD cargo adaptor 2; minus strand). Cytogenetic location: 9q22.31.
Variant type: Deletion.
Coding change: c.1452_1454del on transcript NM_001003800.2 (MANE Select); coding-DNA positions 1452 to 1454, 3 bases deleted (GGT; older notation c.1452_1454delGGT).
Protein change: p.Lys484_Val485delinsAsn.
Molecular consequence: inframe indel.
Genome position (GRCh38, 1-based): chr9:92,719,191-92,719,193, ACC deleted on the plus strand (GGT on the coding strand, the reverse complement: BICD2 is on the minus strand). VCF-style (leftmost placement, unchanged base first): chr9-92719190-GACC-G. GRCh37 (hg19) VCF-style: chr9-95481472-GACC-G.
Other names: c.1452_1454del, p.Lys484_Val485delinsAsn (NM_015250.4).
Identifiers: ClinVar variation 4056924 (VCV004056924.1).
Genomic context (GRCh38, chr9:92,719,190, plus strand): 5'-CTCCTTCTCCAGCCGGGCCAGCAGCTCGCGGTCCTGGCGGCTGGCCTTCTCTAGCAGGGA[GACC>G]TTCTCCGTGAGTGCCTGGCCCTCAGCCTCATAGCGGCCCTTCTCCTCGGCGTGCTGGGCC-3'